The following is an entry in ClinVar:

NM_024876.4(COQ8B):c.1206C>T (p.Ile402=)

Gene: COQ8B (coenzyme Q8B; minus strand). Cytogenetic location: 19q13.2.
Variant type: single nucleotide variant.
Coding change: c.1206C>T on transcript NM_024876.4 (MANE Select); coding-DNA position 1206, C replaced by T.
Protein change: p.Ile402=; no amino-acid change (isoleucine 402 retained).
Molecular consequence: synonymous variant.
Genome position (GRCh38, 1-based): chr19:40,695,992, G>A on the plus strand (C>T on the coding strand, the complement: COQ8B is on the minus strand). VCF-style: chr19-40695992-G-A. GRCh37 (hg19) VCF-style: chr19-41201897-G-A.
Other names: p.Ile402=; c.1083C>T, p.Ile361= (NM_001142555.3).
Identifiers: ClinVar variation 388422 (VCV000388422.16), dbSNP rs142287240, ClinGen allele CA9450119.

ClinVar aggregate classification (germline): Benign/Likely benign. Review status: criteria provided, multiple submitters, no conflicts (2 of 4 stars). 5 submissions from 5 submitters: Benign (3); Likely benign (2). Last evaluated 2026-01-27.

Allele frequency attached by ClinVar (database versions not stated): gnomAD exomes 0.00053 and 0.00141; ExAC 0.00171; 1000 Genomes Project 0.00339; 1000 Genomes Project 30x 0.00375; gnomAD 0.00561 and 0.00601; TOPMed 0.00585; ESP Exome Variant Server 0.00607.
gnomAD v4.1: 1,648 of 1,614,118 alleles (0.1%); highest among the groups gnomAD compares: African/African-American, 2%; 12 homozygotes.

Submissions (5):

Labcorp Genetics (formerly Invitae), Labcorp
Classification: Benign. Last evaluated: 2026-01-27. Review status: criteria provided, single submitter. Criteria: Invitae Variant Classification Sherloc (09022015). Collection method: clinical testing. Allele origin: germline.

Mayo Clinic Laboratories, Mayo Clinic
Classification: Likely benign. Last evaluated: 2025-07-12. Review status: criteria provided, single submitter. Criteria: ACMG Guidelines, 2015. Collection method: clinical testing. Allele origin: germline. Observed: 11 variant alleles.
Comment: BS2, BP4, BP7

Blueprint Genetics
Classification: Likely benign. Last evaluated: 2024-11-25. Review status: criteria provided, single submitter. Criteria: ACMG Guidelines, 2015. Collection method: clinical testing. Allele origin: germline.

GeneDx
Classification: Benign. Last evaluated: 2018-08-16. Review status: criteria provided, single submitter. Criteria: GeneDx Variant Classification Process June 2021. Collection method: clinical testing. Allele origin: germline. Affected: yes.

Breakthrough Genomics
Classification: Benign. Review status: criteria provided, single submitter. Criteria: ACMG Guidelines, 2015. Collection method: not provided. Allele origin: germline. Inheritance: Autosomal recessive inheritance. Affected: yes.